The following is an entry in ClinVar:

ClinVar aggregate classification (germline): Uncertain significance (1 of 4 stars; one submission).

Conditions:
Emery-Dreifuss muscular dystrophy 5, autosomal dominant (EDMD5). Also called: EMERY-DREIFUSS MUSCULAR DYSTROPHY 5. Identifiers: Orphanet 261, MedGen C2751805, MONDO:0013072, OMIM 612999.

Allele frequency attached by ClinVar (database versions not stated): gnomAD 0.00001; TOPMed 0.00001; ExAC 0.00002; gnomAD exomes 0.00003.
gnomAD v4.1: 19 of 1,613,980 alleles (0.0012%); highest among the groups gnomAD compares: East Asian, 0.025%; no homozygotes.

Submission:

Labcorp Genetics (formerly Invitae), Labcorp
Classification: Uncertain significance for Emery-Dreifuss muscular dystrophy 5, autosomal dominant. Last evaluated: 2022-02-12. Review status: criteria provided, single submitter. Criteria: Invitae Variant Classification Sherloc (09022015). Collection method: clinical testing. Allele origin: germline.
Comment: In summary, the available evidence is currently insufficient to determine the role of this variant in disease. Therefore, it has been classified as a Variant of Uncertain Significance. Algorithms developed to predict the effect of missense changes on protein structure and function are either unavailable or do not agree on the potential impact of this missense change (SIFT: "Tolerated"; PolyPhen-2: "Probably Damaging"; Align-GVGD: "Class C0"). This variant has not been reported in the literature in individuals affected with SYNE2-related conditions. This variant is present in population databases (rs765480562, gnomAD 0.02%). This sequence change replaces alanine, which is neutral and non-polar, with threonine, which is neutral and polar, at codon 196 of the SYNE2 protein (p.Ala196Thr).

NM_182914.3(SYNE2):c.586G>A (p.Ala196Thr)

Gene: SYNE2 (spectrin repeat containing nuclear envelope protein 2; plus strand). Cytogenetic location: 14q23.2.
Variant type: single nucleotide variant.
Coding change: c.586G>A on transcript NM_182914.3 (MANE Select); coding-DNA position 586, G replaced by A.
Protein change: p.Ala196Thr; replaces alanine 196 with threonine.
Molecular consequence: missense variant.
Genome position (GRCh38, 1-based): chr14:63,950,002, G>A. VCF-style: chr14-63950002-G-A. GRCh37 (hg19) VCF-style: chr14-64416720-G-A.
Other names: c.586G>A, p.Ala196Thr (NM_015180.6); short protein forms A196T.
Identifiers: ClinVar variation 1468399 (VCV001468399.8), dbSNP rs765480562, ClinGen allele CA7219136.